The following is an entry in ClinVar:

ClinVar aggregate classification (germline): Likely pathogenic, low penetrance (1 of 4 stars; one submission).

Conditions:
CFI-related disorder. Also called: CFI-related condition; CFI-related disorders. Identifiers: MedGen CN239325.

Submission:

Genomenon, Inc
Classification: Likely pathogenic, low penetrance for CFI-related disorder. Last evaluated: 2025-09-26. Review status: criteria provided, single submitter. Criteria: Genomenon Sequence Variant Interpretation Standards - Updated. Collection method: curation. Allele origin: germline. Affected: no.
Comment: CFI p.Ser525Ala (c.1573T>G) is a missense variant that changes the amino acid at residue 525 from Serine to Alanine. To our knowledge, this variant has not been reported in patients affected with CFI-related disorders in the published literature. At least one functional study has demonstrated a substantial alteration in protein function relative to the wild-type (PMID:38852887;36643920;39584280). The variant is located in a mutational hotspot. It is absent or not present at a significant frequency in gnomAD. In silico models agree that this variant is possibly or probably damaging. In conclusion, we classify CFI p.Ser525Ala (c.1573T>G) as a likely pathogenic, low penetrance variant.

Literature cited by the submitters: PubMed 38852887; 36643920; 39584280.

NM_000204.5(CFI):c.1573T>G (p.Ser525Ala)

Gene: CFI (complement factor I; minus strand). Cytogenetic location: 4q25.
Variant type: single nucleotide variant.
Coding change: c.1573T>G on transcript NM_000204.5 (MANE Select); coding-DNA position 1573, T replaced by G.
Protein change: p.Ser525Ala; replaces serine 525 with alanine.
Molecular consequence: missense variant. On other transcripts: 3 prime UTR variant (2), non-coding transcript variant (3), intron variant (7).
Genome position (GRCh38, 1-based): chr4:109,741,072, A>C on the plus strand (T>G on the coding strand, the complement: CFI is on the minus strand). VCF-style: chr4-109741072-A-C. GRCh37 (hg19) VCF-style: chr4-110662228-A-C.
Other names: c.1597T>G, p.Ser533Ala (NM_001318057.2); c.1552T>G, p.Ser518Ala (NM_001331035.2); c.1516T>G, p.Ser506Ala (NM_001375283.1); c.964T>G, p.Ser322Ala (NM_001375284.1); c.1594T>G, p.Ser532Ala (NM_001440986.1); c.*273T>G (NM_001440989.1, NM_001440991.1); c.1513+1419T>G (NM_001375282.1, NM_001375280.1); c.1534+1419T>G (NM_001375281.1, NM_001375279.1); and 2 more; short protein forms S322A, S506A, S518A, S525A, S532A, S533A.
Identifiers: ClinVar variation 4280543 (VCV004280543.1).